The following is an entry in ClinVar:

ClinVar aggregate classification (germline): Uncertain significance (1 of 4 stars; one submission).

Allele frequency attached by ClinVar (database versions not stated): gnomAD exomes below 0.00001.
gnomAD v4.1: 2 of 1,614,076 alleles (0.00012%); highest among the groups gnomAD compares: African/African-American, 0.0013%; no homozygotes.

Submission:

Labcorp Genetics (formerly Invitae), Labcorp
Classification: Uncertain significance. Last evaluated: 2022-03-17. Review status: criteria provided, single submitter. Criteria: Invitae Variant Classification Sherloc (09022015). Collection method: clinical testing. Allele origin: germline.
Comment: This sequence change replaces leucine, which is neutral and non-polar, with proline, which is neutral and non-polar, at codon 667 of the DUOX2 protein (p.Leu667Pro). In summary, the available evidence is currently insufficient to determine the role of this variant in disease. Therefore, it has been classified as a Variant of Uncertain Significance. Advanced modeling of protein sequence and biophysical properties (such as structural, functional, and spatial information, amino acid conservation, physicochemical variation, residue mobility, and thermodynamic stability) performed at Invitae indicates that this missense variant is not expected to disrupt DUOX2 protein function. This variant has not been reported in the literature in individuals affected with DUOX2-related conditions. This variant is present in population databases (no rsID available, gnomAD 0.01%).

NM_001363711.2(DUOX2):c.2000T>C (p.Leu667Pro)

Gene: DUOX2 (dual oxidase 2; minus strand). Cytogenetic location: 15q21.1.
Variant type: single nucleotide variant.
Coding change: c.2000T>C on transcript NM_001363711.2 (MANE Select); coding-DNA position 2000, T replaced by C.
Protein change: p.Leu667Pro; replaces leucine 667 with proline.
Molecular consequence: missense variant.
Genome position (GRCh38, 1-based): chr15:45,106,273, A>G on the plus strand (T>C on the coding strand, the complement: DUOX2 is on the minus strand). VCF-style: chr15-45106273-A-G. GRCh37 (hg19) VCF-style: chr15-45398471-A-G.
Other names: c.2000T>C, p.Leu667Pro (NM_014080.5); short protein forms L667P.
Identifiers: ClinVar variation 2113334 (VCV002113334.4), dbSNP rs1369629262, ClinGen allele CA392273293.